The following is an entry in ClinVar:

NM_001737.5(C9):c.199A>T (p.Ile67Phe)

Gene: C9 (complement C9; minus strand). Cytogenetic location: 5p13.1.
Variant type: single nucleotide variant.
Coding change: c.199A>T on transcript NM_001737.5 (MANE Select); coding-DNA position 199, A replaced by T.
Protein change: p.Ile67Phe; replaces isoleucine 67 with phenylalanine.
Molecular consequence: missense variant.
Genome position (GRCh38, 1-based): chr5:39,341,685, T>A on the plus strand (A>T on the coding strand, the complement: C9 is on the minus strand). VCF-style: chr5-39341685-T-A. GRCh37 (hg19) VCF-style: chr5-39341787-T-A.
Other names: short protein forms I67F.
Identifiers: ClinVar variation 1939839 (VCV001939839.4), dbSNP rs138509694, ClinGen allele CA3247091.
Genomic context (GRCh38, chr5:39,341,685, plus strand): 5'-GTCGTCTGTCTCCCACAGCGTCGGTGCATCTTTTCCCATTAAATTGTCCAAAGACCTCAA[T>A]GCTTCTTGAACGAAACTGCACAATATCAGTTGGAATGATTAGAATTTCTAATGCCAAAAA-3'
Protein context (NP_001728.1, residues 57-77): CLRQMFRSRS[Ile67Phe]EVFGQFNGKR

ClinVar aggregate classification (germline): Uncertain significance. Review status: criteria provided, multiple submitters, no conflicts (2 of 4 stars). 2 submissions from 2 submitters: Uncertain significance (2). Last evaluated 2025-08-09.

Conditions:
Inborn genetic diseases. Identifiers: MedGen C0950123, MeSH D030342.

Allele frequency attached by ClinVar (database versions not stated): ExAC 0.00001; ESP Exome Variant Server 0.00008; gnomAD 0.00008; TOPMed 0.00003; gnomAD exomes 0.00004.
gnomAD v4.1: 74 of 1,614,006 alleles (0.0046%); highest among the groups gnomAD compares: Non-Finnish European, 0.0054%; no homozygotes.

Submissions (2):

Ambry Genetics
Classification: Uncertain significance for Inborn genetic diseases. Last evaluated: 2025-08-09. Review status: criteria provided, single submitter. Criteria: Ambry Variant Classification Scheme 2023. Collection method: clinical testing. Allele origin: germline.

Labcorp Genetics (formerly Invitae), Labcorp
Classification: Uncertain significance. Last evaluated: 2022-09-27. Review status: criteria provided, single submitter. Criteria: Invitae Variant Classification Sherloc (09022015). Collection method: clinical testing. Allele origin: germline.
Comment: This variant is present in population databases (rs138509694, gnomAD 0.004%). This sequence change replaces isoleucine, which is neutral and non-polar, with phenylalanine, which is neutral and non-polar, at codon 67 of the C9 protein (p.Ile67Phe). This variant has not been reported in the literature in individuals affected with C9-related conditions. In summary, the available evidence is currently insufficient to determine the role of this variant in disease. Therefore, it has been classified as a Variant of Uncertain Significance. Advanced modeling of protein sequence and biophysical properties (such as structural, functional, and spatial information, amino acid conservation, physicochemical variation, residue mobility, and thermodynamic stability) performed at Invitae indicates that this missense variant is expected to disrupt C9 protein function.